The following is an entry in ClinVar:

NM_000548.5(TSC2):c.651C>T (p.Val217=)

Gene: TSC2 (TSC complex subunit 2; plus strand). Cytogenetic location: 16p13.3.
Variant type: single nucleotide variant.
Coding change: c.651C>T on transcript NM_000548.5 (MANE Select); coding-DNA position 651, C replaced by T.
Protein change: p.Val217=; no amino-acid change (valine 217 retained).
Molecular consequence: synonymous variant. On other transcripts: 5 prime UTR variant (9), non-coding transcript variant (5), intron variant (3).
Genome position (GRCh38, 1-based): chr16:2,056,646, C>T. VCF-style: chr16-2056646-C-T. GRCh37 (hg19) VCF-style: chr16-2106647-C-T.
Other names: c.540C>T, p.Val180= (NM_001406678.1, NM_001406670.1, NM_001318827.2); c.504C>T, p.Val168= (NM_001406679.1, NM_001406675.1, NM_001406676.1 and 1 more transcripts); c.51C>T, p.Val17= (NM_001406680.1, NM_001406682.1, NM_001406683.1 and 6 more transcripts); c.189C>T, p.Val63= (NM_001406681.1); c.-781C>T (NM_001406689.1, NM_001406690.1, NM_001406691.1 and 3 more transcripts); c.-662C>T (NM_001406694.1, NM_001406695.1); c.-957C>T (NM_001406698.1); c.651C>T, p.Val217= (NM_021055.3, NM_001370405.1, NM_001406663.1 and 6 more transcripts); and 5 more.
Identifiers: ClinVar variation 2897707 (VCV002897707.22), dbSNP rs780004703, ClinGen allele CA492956876.

ClinVar aggregate classification (germline): Benign/Likely benign. Review status: criteria provided, multiple submitters, no conflicts (2 of 4 stars). 3 submissions from 3 submitters: Benign (1); Likely benign (2). Last evaluated 2025-10-07.

Conditions:
Tuberous sclerosis 2 (TSC2). Identifiers: Orphanet 805, MedGen C1860707, MONDO:0013199, OMIM 613254.

Submissions (3):

Labcorp Genetics (formerly Invitae), Labcorp
Classification: Likely benign for Tuberous sclerosis 2. Last evaluated: 2025-10-07. Review status: criteria provided, single submitter. Criteria: Invitae Variant Classification Sherloc (09022015). Collection method: clinical testing. Allele origin: germline.

Myriad Genetics, Inc.
Classification: Benign for Tuberous sclerosis 2. Last evaluated: 2025-05-08. Review status: criteria provided, single submitter. Criteria: Myriad Autosomal Dominant, Autosomal Recessive and X-Linked Classification Criteria (2023). Collection method: clinical testing. Allele origin: unknown.
Comment: This variant is considered benign. This variant is a silent/synonymous amino acid change and it is not expected to impact splicing.

CeGaT Center for Human Genetics Tuebingen
Classification: Likely benign. Last evaluated: 2024-06-01. Review status: criteria provided, single submitter. Criteria: CeGaT Center For Human Genetics Tuebingen Variant Classification Criteria Version 2. Collection method: clinical testing. Allele origin: germline. Affected: yes. Observed: 1 variant allele.
Comment: TSC2: PM2:Supporting, BP4, BP7